The following is an entry in ClinVar:

ClinVar aggregate classification (germline): Likely pathogenic (1 of 4 stars; one submission).

Submission:

Dasa
Classification: Likely pathogenic. Last evaluated: 2025-11-04. Review status: criteria provided, single submitter. Criteria: DASA Assertion Criteria. Collection method: clinical testing. Allele origin: germline.
Comment: NM_000094.4(COL7A1):c.5317G>A (p.Gly1773Ser) is a missense variant that results in the substitution of glycine with serine. The affected residue or protein region has prior evidence supporting clinical relevance. This variant is absent from population databases. Computational evidence supports a deleterious effect. Based on the currently available evidence, this variant is classified as likely pathogenic.

NM_000094.4(COL7A1):c.5317G>A (p.Gly1773Ser)

Gene: COL7A1 (collagen type VII alpha 1 chain; minus strand). Cytogenetic location: 3p21.31.
Variant type: single nucleotide variant.
Coding change: c.5317G>A on transcript NM_000094.4 (MANE Select); coding-DNA position 5317, G replaced by A.
Protein change: p.Gly1773Ser; replaces glycine 1773 with serine.
Molecular consequence: missense variant.
Genome position (GRCh38, 1-based): chr3:48,579,268, C>T on the plus strand (G>A on the coding strand, the complement: COL7A1 is on the minus strand). VCF-style: chr3-48579268-C-T. GRCh37 (hg19) VCF-style: chr3-48616701-C-T.
Other names: short protein forms G1773S.
Identifiers: ClinVar variation 4885574 (VCV004885574.2).
Genomic context (GRCh38, chr3:48,579,268, plus strand): 5'-AGGGCCCAGCGGCTCCTGGTTTCCCATCCAGTCCGCTCCGGCCATCCAGCCCAGGGGGAC[C>T]CCGGTCACCCTGTGGAAAATAGAGTGGTAAGAGGCCACCAAGGCTGAGGTGGATCTGATA-3'
Protein context (NP_000085.1, residues 1763-1783): RGPAGEKGDR[Gly1773Ser]PPGLDGRSGL